The following is an entry in ClinVar:

NM_000127.3(EXT1):c.1087G>T (p.Gly363Ter)

Gene: EXT1 (exostosin glycosyltransferase 1; minus strand). Cytogenetic location: 8q24.11.
Variant type: single nucleotide variant.
Coding change: c.1087G>T on transcript NM_000127.3 (MANE Select); coding-DNA position 1087, G replaced by T.
Protein change: p.Gly363Ter; replaces glycine 363 with a stop codon.
Molecular consequence: nonsense.
Genome position (GRCh38, 1-based): chr8:117,835,521, C>A on the plus strand (G>T on the coding strand, the complement: EXT1 is on the minus strand). VCF-style: chr8-117835521-C-A. GRCh37 (hg19) VCF-style: chr8-118847760-C-A.
Other names: short protein forms G363*.
Identifiers: ClinVar variation 5016832 (VCV005016832.1).

ClinVar aggregate classification (germline): Pathogenic (1 of 4 stars; one submission).

Submission:

GeneDx
Classification: Pathogenic. Last evaluated: 2026-04-02. Review status: criteria provided, single submitter. Criteria: GeneDx Variant Classification Process June 2021. Collection method: clinical testing. Allele origin: germline.
Comment: Nonsense variant predicted to result in protein truncation or nonsense mediated decay in a gene for which loss of function is a known mechanism of disease; Not observed at significant frequency in large population cohorts (gnomAD); Identified in patients with clinical features consistent with a EXT-related disorder referred for genetic testing at GeneDx and in published literature (PMID: 36360300); This variant is associated with the following publications: (PMID: 36360300)